The following is an entry in ClinVar:

ClinVar aggregate classification (germline): Uncertain significance (1 of 4 stars; one submission).

Conditions:
Congenital myasthenic syndrome 8. Also called: MYASTHENIC SYNDROME, CONGENITAL, DUE TO AGRIN DEFICIENCY; Myasthenic syndrome, congenital, 8, with pre- and postsynaptic defects. Identifiers: Orphanet 590, MedGen C3808739, MONDO:0014052, OMIM 615120.

Submission:

Labcorp Genetics (formerly Invitae), Labcorp
Classification: Uncertain significance for Congenital myasthenic syndrome 8. Last evaluated: 2022-02-20. Review status: criteria provided, single submitter. Criteria: Invitae Variant Classification Sherloc (09022015). Collection method: clinical testing. Allele origin: germline.
Comment: This variant has not been reported in the literature in individuals affected with AGRN-related conditions. This variant is not present in population databases (gnomAD no frequency). Experimental studies and prediction algorithms are not available or were not evaluated, and the functional significance of this variant is currently unknown. In summary, the available evidence is currently insufficient to determine the role of this variant in disease. Therefore, it has been classified as a Variant of Uncertain Significance. This variant, c.1906_1911del, results in the deletion of 2 amino acid(s) of the AGRN protein (p.Gly636_Val637del), but otherwise preserves the integrity of the reading frame.

NM_198576.4(AGRN):c.1906_1911del (p.Gly636_Val637del)

Gene: AGRN (agrin; plus strand). Cytogenetic location: 1p36.33.
Variant type: Deletion.
Coding change: c.1906_1911del on transcript NM_198576.4 (MANE Select); coding-DNA positions 1906 to 1911, 6 bases deleted (GGTGTC; older notation c.1906_1911delGGTGTC).
Protein change: p.Gly636_Val637del.
Molecular consequence: inframe deletion.
Genome position (GRCh38, 1-based): chr1:1,043,930-1,043,935, GGTGTC deleted; deleting any 6 consecutive bases within chr1:1,043,929-1,043,935 gives the same sequence; the c. name uses the placement nearest the transcript's 3' end. VCF-style (leftmost placement, unchanged base first): chr1-1043928-ACGGTGT-A. GRCh37 (hg19) VCF-style: chr1-979308-ACGGTGT-A.
Other names: c.1906_1911del, p.Gly636_Val637del (NM_001305275.2); c.1591_1596del, p.Gly531_Val532del (NM_001364727.2).
Identifiers: ClinVar variation 2095606 (VCV002095606.4), dbSNP rs2522693154, ClinGen allele CA2580061053.
Genomic context (GRCh38, chr1:1,043,928, plus strand): 5'-CAGGGCAGTGTGTGTGTCCCCGGTGTGAGCACCCCCCGCCCGGCCCCGTGTGTGGCAGCG[ACGGTGT>A]CACCTACGGCAGTGCCTGCGAGCTACGGGAAGCCGCCTGCCTCCAGCAGACACAGATCGA-3'